The following is an entry in ClinVar:

NM_001330078.2(NRXN1):c.342G>T (p.Trp114Cys)

Gene: NRXN1 (neurexin 1; minus strand). Cytogenetic location: 2p16.3.
Variant type: single nucleotide variant.
Coding change: c.342G>T on transcript NM_001330078.2 (MANE Select); coding-DNA position 342, G replaced by T.
Protein change: p.Trp114Cys; replaces tryptophan 114 with cysteine.
Molecular consequence: missense variant.
Genome position (GRCh38, 1-based): chr2:51,027,932, C>A on the plus strand (G>T on the coding strand, the complement: NRXN1 is on the minus strand). VCF-style: chr2-51027932-C-A. GRCh37 (hg19) VCF-style: chr2-51255070-C-A.
Other names: c.342G>T, p.Trp114Cys (NM_001135659.3, NM_001330077.2, NM_001330079.2 and 15 more transcripts); short protein forms W114C.
Identifiers: ClinVar variation 660195 (VCV000660195.8), dbSNP rs1575278010, ClinGen allele CA346824203.

ClinVar aggregate classification (germline): Uncertain significance (1 of 4 stars; one submission).

Conditions:
Pitt-Hopkins-like syndrome 2 (PTHSL2). Identifiers: Orphanet 221150, Orphanet 600663, MedGen C3280479, MONDO:0013690, OMIM 614325.

gnomAD v4.1: 1 of 1,605,456 alleles (0.000062%); highest among the groups gnomAD compares: Admixed American, 0.0017%; no homozygotes.

Submission:

Labcorp Genetics (formerly Invitae), Labcorp
Classification: Uncertain significance for Pitt-Hopkins-like syndrome 2. Last evaluated: 2018-11-17. Review status: criteria provided, single submitter. Criteria: Invitae Variant Classification Sherloc (09022015). Collection method: clinical testing. Allele origin: germline.
Comment: This sequence change replaces tryptophan with cysteine at codon 114 of the NRXN1 protein (p.Trp114Cys). The tryptophan residue is highly conserved and there is a large physicochemical difference between tryptophan and cysteine. This variant is not present in population databases (ExAC no frequency). In summary, the available evidence is currently insufficient to determine the role of this variant in disease. Therefore, it has been classified as a Variant of Uncertain Significance. Algorithms developed to predict the effect of missense changes on protein structure and function are either unavailable or do not agree on the potential impact of this missense change (SIFT: "Deleterious"; PolyPhen-2: "Probably Damaging"; Align-GVGD: "Class C0"). This variant has not been reported in the literature in individuals with NRXN1-related disease.